The following is an entry in ClinVar:

ClinVar aggregate classification (germline): Likely benign (0 of 4 stars; one submission).

Conditions:
SEMA3D-related disorder. Also called: SEMA3D-related condition.

Allele frequency attached by ClinVar (database versions not stated): gnomAD 0.00001; ExAC 0.00017.
gnomAD v4.1: 64 of 1,569,794 alleles (0.0041%); highest among the groups gnomAD compares: Admixed American, 0.11%; no homozygotes.

Submission:

PreventionGenetics, part of Exact Sciences
Classification: Likely benign for SEMA3D-related condition. Last evaluated: 2021-10-15. Review status: no assertion criteria provided. Collection method: clinical testing. Allele origin: germline.
Comment: This variant is classified as likely benign based on ACMG/AMP sequence variant interpretation guidelines (Richards et al. 2015 PMID: 25741868, with internal and published modifications).

NM_001384900.1(SEMA3D):c.812G>A (p.Gly271Asp)

Gene: SEMA3D (semaphorin 3D; minus strand). Cytogenetic location: 7q21.11.
Variant type: single nucleotide variant.
Coding change: c.812G>A on transcript NM_001384900.1 (MANE Select); coding-DNA position 812, G replaced by A.
Protein change: p.Gly271Asp; replaces glycine 271 with aspartic acid.
Molecular consequence: missense variant.
Genome position (GRCh38, 1-based): chr7:85,055,766, C>T on the plus strand (G>A on the coding strand, the complement: SEMA3D is on the minus strand). VCF-style: chr7-85055766-C-T. GRCh37 (hg19) VCF-style: chr7-84685082-C-T.
Other names: c.812G>A, p.Gly271Asp (NM_001384901.1, NM_001384902.1, NM_001384903.1 and 1 more transcripts); short protein forms G271D.
Identifiers: ClinVar variation 3036081 (VCV003036081.2), dbSNP rs777535723, ClinGen allele CA4323635.